The following is an entry in ClinVar:

NM_004360.5(CDH1):c.1385T>C (p.Phe462Ser)

Gene: CDH1 (cadherin 1; plus strand). Cytogenetic location: 16q22.1.
Variant type: single nucleotide variant.
Coding change: c.1385T>C on transcript NM_004360.5 (MANE Select); coding-DNA position 1385, T replaced by C.
Protein change: p.Phe462Ser; replaces phenylalanine 462 with serine.
Molecular consequence: missense variant. On other transcripts: 5 prime UTR variant (2).
Genome position (GRCh38, 1-based): chr16:68,815,579, T>C. VCF-style: chr16-68815579-T-C. GRCh37 (hg19) VCF-style: chr16-68849482-T-C.
Other names: c.1385T>C (LRG_301t1, NM_004360.4); c.1202T>C, p.Phe401Ser (NM_001317184.2); c.-164T>C (NM_001317185.2); c.-435T>C (NM_001317186.2); short protein forms F462S, F401S.
Identifiers: ClinVar variation 142659 (VCV000142659.12), dbSNP rs587782622, ClinGen allele CA169057.

ClinVar aggregate classification (germline): Uncertain significance. Review status: criteria provided, multiple submitters, no conflicts (2 of 4 stars). 4 submissions from 4 submitters: Uncertain significance (4). Last evaluated 2024-03-28.

Conditions:
Hereditary cancer-predisposing syndrome. Also called: Neoplastic Syndromes, Hereditary; Hereditary Cancer Syndrome; Hereditary neoplastic syndrome; Tumor predisposition. Identifiers: Orphanet 140162, MedGen C0027672, MeSH D009386, MONDO:0015356.
Hereditary diffuse gastric adenocarcinoma (HDGC). Also called: DIFFUSE GASTRIC AND LOBULAR BREAST CANCER SYNDROME. Identifiers: Orphanet 26106, MedGen C1708349, MONDO:0007648, OMIM 137215.
Familial cancer of breast. Also called: Hereditary breast cancer; hereditary breast carcinoma; BREAST CANCER, FAMILIAL. Identifiers: Orphanet 227535, MedGen C0346153, MONDO:0016419, OMIM 114480. Disease mechanism: loss of function.

Allele frequency attached by ClinVar (database versions not stated): gnomAD exomes below 0.00001.
gnomAD v4.1: 5 of 1,614,256 alleles (0.00031%); highest among the groups gnomAD compares: South Asian, 0.0022%; no homozygotes.

Submissions (4):

Baylor Genetics
Classification: Uncertain significance for Familial cancer of breast. Last evaluated: 2024-03-28. Review status: criteria provided, single submitter. Criteria: ACMG Guidelines, 2015. Collection method: clinical testing. Allele origin: unknown.

Labcorp Genetics (formerly Invitae), Labcorp
Classification: Uncertain significance for Hereditary diffuse gastric adenocarcinoma. Last evaluated: 2024-03-16. Review status: criteria provided, single submitter. Criteria: Invitae Variant Classification Sherloc (09022015). Collection method: clinical testing. Allele origin: germline.
Comment: This sequence change replaces phenylalanine, which is neutral and non-polar, with serine, which is neutral and polar, at codon 462 of the CDH1 protein (p.Phe462Ser). This variant is not present in population databases (gnomAD no frequency). This variant has not been reported in the literature in individuals affected with CDH1-related conditions. ClinVar contains an entry for this variant (Variation ID: 142659). An algorithm developed to predict the effect of missense changes on protein structure and function (PolyPhen-2) suggests that this variant is likely to be disruptive. In summary, the available evidence is currently insufficient to determine the role of this variant in disease. Therefore, it has been classified as a Variant of Uncertain Significance.

Ambry Genetics
Classification: Uncertain significance for Hereditary cancer-predisposing syndrome. Last evaluated: 2024-01-02. Review status: criteria provided, single submitter. Criteria: Ambry Variant Classification Scheme 2023. Collection method: clinical testing. Allele origin: germline.
Comment: The p.F462S variant (also known as c.1385T>C), located in coding exon 10 of the CDH1 gene, results from a T to C substitution at nucleotide position 1385. The phenylalanine at codon 462 is replaced by serine, an amino acid with highly dissimilar properties. This amino acid position is highly conserved in available vertebrate species. In addition, the in silico prediction for this alteration is inconclusive. Since supporting evidence is limited at this time, the clinical significance of this alteration remains unclear.

European Reference Network on Genetic Tumour Risk Syndromes (ERN-GENTURIS), i3s - Instituto de Investigação e Inovação em Saúde, University of Porto
Classification: Uncertain significance for Hereditary diffuse gastric adenocarcinoma. Last evaluated: 2022-08-01. Review status: criteria provided, single submitter. Criteria: Lee et al. (Hum Mutat. 2018). Collection method: clinical testing. Allele origin: germline. Inheritance: Autosomal dominant inheritance. Affected: no. Study: ERN GENTURIS.
Comment: PM2 (PMID: 30311375)

Literature cited by the submitters: PubMed 36436516 (cited by European Reference Network on Genetic Tumour Risk Syndromes (ERN-GENTURIS), i3s - Instituto de Investigação e Inovação em Saúde, University of Porto).